The following is an entry in ClinVar:

NM_020297.4(ABCC9):c.142+15dup

Gene: ABCC9 (ATP binding cassette subfamily C member 9; minus strand). Cytogenetic location: 12p12.1.
Variant type: Duplication.
Coding change: c.142+15dup on transcript NM_020297.4 (MANE Select); 15 bases into the intron after coding-DNA position 142, one base duplicated (A; older notation c.142+15dupA).
Molecular consequence: intron variant.
Genome position (GRCh38, 1-based): chr12:21,936,518, T duplicated on the plus strand (A on the coding strand, the reverse complement: ABCC9 is on the minus strand). VCF-style (leftmost placement, unchanged base first): chr12-21936517-A-AT. GRCh37 (hg19) VCF-style: chr12-22089451-A-AT.
Other names: c.142+15dupA (NM_005691.3); c.-313+15dup (NM_001377274.1); c.142+15dup (NM_005691.4, NM_001377273.1).
Identifiers: ClinVar variation 162698 (VCV000162698.21), dbSNP rs571187142, ClinGen allele CA295460.

ClinVar aggregate classification (germline): Benign/Likely benign. Review status: criteria provided, multiple submitters, no conflicts (2 of 4 stars). 9 submissions from 9 submitters: Benign (4); Likely benign (2). 3 of the submissions do not count toward it. Last evaluated 2026-02-03.

Conditions:
Dilated cardiomyopathy 1O (CMD1O). Also called: CARDIOMYOPATHY, DILATED, WITH VENTRICULAR TACHYCARDIA. Identifiers: Orphanet 154, MedGen C1837839, MONDO:0012062, OMIM 608569.

Allele frequency attached by ClinVar (database versions not stated): gnomAD exomes 0.00035 and 0.00094; ExAC 0.00145; gnomAD 0.00397 and 0.00428; TOPMed 0.00435; ESP Exome Variant Server 0.00463; 1000 Genomes Project 0.00479; 1000 Genomes Project 30x 0.00515.

Submissions (9):

Labcorp Genetics (formerly Invitae), Labcorp
Classification: Benign for Dilated cardiomyopathy 1O. Last evaluated: 2026-02-03. Review status: criteria provided, single submitter. Criteria: Invitae Variant Classification Sherloc (09022015). Collection method: clinical testing. Allele origin: germline.

ARUP Laboratories, Molecular Genetics and Genomics, ARUP Laboratories
Classification: Benign. Last evaluated: 2024-10-25. Review status: criteria provided, single submitter. Criteria: ARUP Molecular Germline Variant Investigation Process 2024. Collection method: clinical testing. Allele origin: germline.

Blueprint Genetics
Classification: Likely benign. Last evaluated: 2024-09-04. Review status: criteria provided, single submitter. Criteria: ACMG Guidelines, 2015. Collection method: clinical testing. Allele origin: germline.

Women's Health and Genetics/Laboratory Corporation of America, LabCorp
Classification: Benign. Last evaluated: 2021-02-22. Review status: criteria provided, single submitter. Criteria: LabCorp Variant Classification Summary - May 2015. Collection method: clinical testing. Allele origin: germline.
Comment: Variant summary: ABCC9 c.142+15dupA alters a non-conserved nucleotide located close to a canonical splice site and therefore could affect mRNA splicing, leading to a significantly altered protein sequence. 4/4 computational tools predict no significant impact on normal splicing. However, these predictions have yet to be confirmed by functional studies. The variant allele was found at a frequency of 0.00094 in 248312 control chromosomes, predominantly at a frequency of 0.013 within the African or African-American subpopulation in the gnomAD database, including 1 homozygote. The observed variant frequency within African or African-American control individuals in the gnomAD database is approximately 832-fold of the estimated maximal expected allele frequency for a pathogenic variant in ABCC9 causing Dilated Cardiomyopathy phenotype (1.6e-05), strongly suggesting that the variant is a benign polymorphism found primarily in populations of African or African-American origin. To our knowledge, no occurrence of c.142+15dupA in individuals affected with Dilated Cardiomyopathy and no experimental evidence demonstrating its impact on protein function have been reported. No clinical diagnostic laboratories have submitted clinical-significance assessments for this variant to ClinVar after 2014. Based on the evidence outlined above, the variant was classified as benign.

GeneDx
Classification: Benign. Last evaluated: 2014-04-25. Review status: criteria provided, single submitter. Criteria: GeneDx Variant Classification (06012015). Collection method: clinical testing. Allele origin: germline. Affected: yes.
Comment: The variant is found in CARDIOMYOPATHY panel(s).

Laboratory for Molecular Medicine, Mass General Brigham Personalized Medicine
Classification: Likely benign. Last evaluated: 2012-07-17. Review status: criteria provided, single submitter. Criteria: LMM Criteria. Collection method: clinical testing. Allele origin: germline. Observed: 6 variant alleles.
Comment: 142+15dupA in intron 1 of ABCC9: This variant is not expected to have clinical s ignificance because it is not located within the conserved splice consensus sequ ence. 142+15dupA in intron 1 of ABCC9 (allele frequency= n/a)

Clinical Genetics DNA and cytogenetics Diagnostics Lab, Erasmus MC, Erasmus Medical Center
Classification: Likely benign. Review status: no assertion criteria provided. Collection method: clinical testing. Allele origin: germline. Affected: yes. Study: VKGL Data-share Consensus. Not counted in ClinVar's aggregate classification.

Clinical Genetics, Academic Medical Center
Classification: Benign. Review status: no assertion criteria provided. Collection method: clinical testing. Allele origin: germline. Affected: yes. Study: VKGL Data-share Consensus. Not counted in ClinVar's aggregate classification.

Diagnostic Laboratory, Department of Genetics, University Medical Center Groningen
Classification: Likely benign. Review status: no assertion criteria provided. Collection method: clinical testing. Allele origin: germline. Affected: yes. Study: VKGL Data-share Consensus. Not counted in ClinVar's aggregate classification.